The following is an entry in ClinVar:

NM_024537.4(CARS2):c.1510A>G (p.Met504Val)

Gene: CARS2 (cysteinyl-tRNA synthetase 2, mitochondrial; minus strand). Cytogenetic location: 13q34.
Variant type: single nucleotide variant.
Coding change: c.1510A>G on transcript NM_024537.4 (MANE Select); coding-DNA position 1510, A replaced by G.
Protein change: p.Met504Val; replaces methionine 504 with valine.
Molecular consequence: missense variant. On other transcripts: non-coding transcript variant (2).
Genome position (GRCh38, 1-based): chr13:110,642,428, T>C on the plus strand (A>G on the coding strand, the complement: CARS2 is on the minus strand). VCF-style: chr13-110642428-T-C. GRCh37 (hg19) VCF-style: chr13-111294775-T-C.
Other names: c.724A>G, p.Met242Val (NM_001352252.2); short protein forms M504V, M242V.
Identifiers: ClinVar variation 949303 (VCV000949303.7), dbSNP rs762583126, ClinGen allele CA256322505.
Genomic context (GRCh38, chr13:110,642,428, plus strand): 5'-CCAGCAGGGGCTGCCTTTCTAGGAGCTGCTGCCGCCGGGCGTCCCCCGTGGCCTCGGGCA[T>C]GGCCAGCGCAAACTGCCGGACCTTCTGCCGGAACCGCACCAGCTCGTCCACCACACCATG-3'
Protein context (NP_078813.1, residues 494-514): RQKVRQFALA[Met504Val]PEATGDARRQ

ClinVar aggregate classification (germline): Uncertain significance (1 of 4 stars; one submission).

Conditions:
Combined oxidative phosphorylation defect type 27. Also called: Combined oxidative phosphorylation deficiency 27. Identifiers: Orphanet 477774, MedGen C5567608, MONDO:0014728, OMIM 616672.

Allele frequency attached by ClinVar (database versions not stated): gnomAD exomes below 0.00001.
gnomAD v4.1: 3 of 1,605,286 alleles (0.00019%); highest among the groups gnomAD compares: Admixed American, 0.0017%; no homozygotes.

Submission:

Labcorp Genetics (formerly Invitae), Labcorp
Classification: Uncertain significance for Combined oxidative phosphorylation defect type 27. Last evaluated: 2021-08-20. Review status: criteria provided, single submitter. Criteria: Invitae Variant Classification Sherloc (09022015). Collection method: clinical testing. Allele origin: germline.
Comment: This sequence change replaces methionine with valine at codon 504 of the CARS2 protein (p.Met504Val). The methionine residue is weakly conserved and there is a small physicochemical difference between methionine and valine. This variant is not present in population databases (ExAC no frequency). This variant has not been reported in the literature in individuals affected with CARS2-related conditions. Algorithms developed to predict the effect of missense changes on protein structure and function (SIFT, PolyPhen-2, Align-GVGD) all suggest that this variant is likely to be tolerated. In summary, the available evidence is currently insufficient to determine the role of this variant in disease. Therefore, it has been classified as a Variant of Uncertain Significance.